The following is an entry in ClinVar:

NM_006019.4(TCIRG1):c.1681_1682insT (p.Gly561fs)

Gene: TCIRG1 (T cell immune regulator 1, ATPase H+ transporting V0 subunit a3; plus strand). Cytogenetic location: 11q13.2.
Variant type: Insertion.
Coding change: c.1681_1682insT on transcript NM_006019.4 (MANE Select); coding-DNA positions 1681 to 1682, T inserted.
Protein change: p.Gly561fs; shifts the reading frame from glycine 561.
Molecular consequence: frameshift variant.
Genome position: GRCh38 VCF-style: chr11-68049088-G-GT. GRCh37 (hg19) VCF-style: chr11-67816555-G-GT.
Other names: c.787_788insT, p.Gly263fs (NM_001351059.2); c.1033_1034insT, p.Gly345fs (NM_006053.4); short protein forms G263fs, G561fs, G345fs.
Identifiers: ClinVar variation 2010031 (VCV002010031.2), dbSNP rs2495657679, ClinGen allele CA2580084821.

ClinVar aggregate classification (germline): Pathogenic (1 of 4 stars; one submission).

Submission:

Labcorp Genetics (formerly Invitae), Labcorp
Classification: Pathogenic. Last evaluated: 2022-06-29. Review status: criteria provided, single submitter. Criteria: Invitae Variant Classification Sherloc (09022015). Collection method: clinical testing. Allele origin: germline.
Comment: This sequence change creates a premature translational stop signal (p.Gly561Valfs*109) in the TCIRG1 gene. It is expected to result in an absent or disrupted protein product. Loss-of-function variants in TCIRG1 are known to be pathogenic (PMID: 10888887, 10942435, 11532986, 19448635). This variant is not present in population databases (gnomAD no frequency). This premature translational stop signal has been observed in individual(s) with osteopetrosis (PMID: 31949009). For these reasons, this variant has been classified as Pathogenic.

Literature cited by the submitters: PubMed 10888887; PubMed 10942435; PubMed 11532986; PubMed 19448635; PubMed 31949009.